The following is an entry in ClinVar:

ClinVar aggregate classification (germline): Benign/Likely benign. Review status: criteria provided, multiple submitters, no conflicts (2 of 4 stars). 4 submissions from 4 submitters: Benign (1); Likely benign (3). Last evaluated 2025-09-15.

Conditions:
OFD1-related disorder. Also called: OFD1-related condition.
Orofaciodigital syndrome I (OFD1). Also called: Papillon-Leage and Psaume Syndrome; Oral-Facial-Digital Syndrome Type I; OFDS I. Identifiers: Orphanet 2750, MedGen C1510460, MONDO:0010702, OMIM 311200.
Joubert syndrome. Also called: JOUBERT-BOLTSHAUSER SYNDROME; Familial aplasia of the vermis. Identifiers: Orphanet 475, MedGen C5979921, MONDO:0018772.
Primary ciliary dyskinesia. Also called: Ciliary dyskinesia. Identifiers: Orphanet 244, MedGen C0008780, MONDO:0016575, HP:0012265.

Allele frequency attached by ClinVar (database versions not stated): ExAC 0.00002; gnomAD 0.00002 and 0.00003; gnomAD exomes 0.00002 and 0.00003; TOPMed 0.00003; ESP Exome Variant Server 0.00009.
gnomAD v4.1: 33 of 1,199,335 alleles (0.0028%); highest among the groups gnomAD compares: Non-Finnish European, 0.0033%; no homozygotes.

Submissions (4):

Labcorp Genetics (formerly Invitae), Labcorp
Classification: Benign for Orofaciodigital syndrome I; Joubert syndrome. Last evaluated: 2025-09-15. Review status: criteria provided, single submitter. Criteria: Invitae Variant Classification Sherloc (09022015). Collection method: clinical testing. Allele origin: germline.

PreventionGenetics, part of Exact Sciences
Classification: Likely benign for OFD1-related condition. Last evaluated: 2025-07-23. Review status: criteria provided, single submitter. Criteria: ACMG Guidelines, 2015. Collection method: clinical testing. Allele origin: germline.
Comment: This variant is classified as likely benign based on ACMG/AMP sequence variant interpretation guidelines (Richards et al. 2015 PMID: 25741868, with internal and published modifications).

Ambry Genetics
Classification: Likely benign for Primary ciliary dyskinesia. Last evaluated: 2024-04-15. Review status: criteria provided, single submitter. Criteria: Ambry Variant Classification Scheme 2023. Collection method: clinical testing. Allele origin: germline.

CeGaT Center for Human Genetics Tuebingen
Classification: Likely benign. Last evaluated: 2022-11-01. Review status: criteria provided, single submitter. Criteria: CeGaT Center For Human Genetics Tuebingen Variant Classification Criteria Version 2. Collection method: clinical testing. Allele origin: germline. Affected: yes. Observed: 1 variant allele.
Comment: OFD1: BS2

NM_003611.3(OFD1):c.1400G>A (p.Arg467His)

Gene: OFD1 (OFD1 centriole and centriolar satellite protein; plus strand). Cytogenetic location: Xp22.2.
Variant type: single nucleotide variant.
Coding change: c.1400G>A on transcript NM_003611.3 (MANE Select); coding-DNA position 1400, G replaced by A.
Protein change: p.Arg467His; replaces arginine 467 with histidine.
Molecular consequence: missense variant.
Genome position (GRCh38, 1-based): chrX:13,756,756, G>A. VCF-style: chrX-13756756-G-A. GRCh37 (hg19) VCF-style: chrX-13774875-G-A.
Other names: c.1280G>A, p.Arg427His (NM_001330209.2); c.980G>A, p.Arg327His (NM_001330210.2); c.1400G>A (NM_003611.2); short protein forms R327H, R427H, R467H.
Identifiers: ClinVar variation 1164897 (VCV001164897.35), dbSNP rs375577267, ClinGen allele CA10351803.
Genomic context (GRCh38, chrX:13,756,756, plus strand): 5'-TTCTGGCACAAAATAAATTACTTAAACAACAACTGGAAGAGAGTAGAAATGAAAACCTGC[G>A]TCTCCTAAACCGTATGTATTTTTCTTTTCTTCTGACTTGCGTGTTTTAGTAATTCGCATT-3'
Protein context (NP_003602.1, residues 457-477): QLEESRNENL[Arg467His]LLNRLAQPAP